The following is an entry in ClinVar:

NM_005896.4(IDH1):c.1015G>A (p.Gly339Arg)

Gene: IDH1 (isocitrate dehydrogenase (NADP(+)) 1; minus strand). Cytogenetic location: 2q34.
Variant type: single nucleotide variant.
Coding change: c.1015G>A on transcript NM_005896.4 (MANE Select); coding-DNA position 1015, G replaced by A.
Protein change: p.Gly339Arg; replaces glycine 339 with arginine.
Molecular consequence: missense variant.
Genome position (GRCh38, 1-based): chr2:208,239,210, C>T on the plus strand (G>A on the coding strand, the complement: IDH1 is on the minus strand). VCF-style: chr2-208239210-C-T. GRCh37 (hg19) VCF-style: chr2-209103934-C-T.
Other names: c.1015G>A, p.Gly339Arg (NM_001282386.1, NM_001282387.1); short protein forms G339R.
Identifiers: ClinVar variation 1743060 (VCV001743060.3), dbSNP rs1436545190, ClinGen allele CA350094800.
Genomic context (GRCh38, chr2:208,239,210, plus strand): 5'-AAGCATTTGCAAAGAAGGCAAGCTCTTTATTGTTATCAAGCTTTGCTCTGTGGGCTAACC[C>T]TCTGGTCCAGGCAAAAATGGAAGCTAAAAGAGGGGAAAAAAAACACAACACTCCAATCAT-3'
Protein context (NP_005887.2, residues 329-349): PIASIFAWTR[Gly339Arg]LAHRAKLDNN

ClinVar aggregate classification (germline): Uncertain significance (1 of 4 stars; one submission).

Submission:

Ambry Genetics
Classification: Uncertain significance. Last evaluated: 2024-11-02. Review status: criteria provided, single submitter. Criteria: Ambry Variant Classification Scheme 2023. Collection method: clinical testing. Allele origin: germline.
Comment: The p.G339R variant (also known as c.1015G>A), located in coding exon 7 of the IDH1 gene, results from a G to A substitution at nucleotide position 1015. The glycine at codon 339 is replaced by arginine, an amino acid with dissimilar properties. This amino acid position is conserved. In addition, this alteration is predicted to be deleterious by in silico analysis. Since supporting evidence is limited at this time, the clinical significance of this alteration remains unclear.